The following is an entry in ClinVar:

ClinVar aggregate classification (germline): Pathogenic (1 of 4 stars; one submission).

Submission:

Labcorp Genetics (formerly Invitae), Labcorp
Classification: Pathogenic. Last evaluated: 2025-10-10. Review status: criteria provided, single submitter. Criteria: Invitae Variant Classification Sherloc (09022015). Collection method: clinical testing. Allele origin: germline.
Comment: This sequence change creates a premature translational stop signal (p.Tyr779*) in the CTNNA1 gene. It is expected to result in an absent or disrupted protein product. Loss-of-function variants in CTNNA1 are known to be pathogenic (PMID: 32051609, 34425242). This variant is not present in population databases (gnomAD no frequency). This variant has not been reported in the literature in individuals affected with CTNNA1-related conditions. ClinVar contains an entry for this variant (Variation ID: 3705941). For these reasons, this variant has been classified as Pathogenic.

Literature cited by the submitters: PubMed 32051609; PubMed 34425242.

NM_001903.5(CTNNA1):c.2337C>A (p.Tyr779Ter)

Gene: CTNNA1 (catenin alpha 1; plus strand). Cytogenetic location: 5q31.2.
Variant type: single nucleotide variant.
Coding change: c.2337C>A on transcript NM_001903.5 (MANE Select); coding-DNA position 2337, C replaced by A.
Protein change: p.Tyr779Ter; replaces tyrosine 779 with a stop codon.
Molecular consequence: nonsense. On other transcripts: intron variant (1).
Genome position (GRCh38, 1-based): chr5:138,932,616, C>A. VCF-style: chr5-138932616-C-A. GRCh37 (hg19) VCF-style: chr5-138268305-C-A.
Other names: c.1227C>A, p.Tyr409Ter (NM_001323991.1, NM_001323992.1, NM_001323993.1 and 16 more transcripts); c.2337C>A, p.Tyr779Ter (NM_001290307.3, NM_001323982.2, NM_001323983.1 and 2 more transcripts); c.2028C>A, p.Tyr676Ter (NM_001290309.3); c.1968C>A, p.Tyr656Ter (NM_001290310.3); c.2244C>A, p.Tyr748Ter (NM_001323986.2); c.888C>A, p.Tyr296Ter (NM_001324006.1, NM_001324007.1, NM_001324008.1 and 2 more transcripts); c.1134C>A, p.Tyr378Ter (NM_001324011.1); c.984C>A, p.Tyr328Ter (NM_001324012.1, NM_001324013.1); and 1 more; short protein forms Y296*, Y779*, Y378*, Y409*, Y676*, Y328*, Y656*, Y748*.
Identifiers: ClinVar variation 3705941 (VCV003705941.2).
Genomic context (GRCh38, chr5:138,932,616, plus strand): 5'-GTTAAGCCTGCTCTCTCTTCAGTGCCCCGACTCGGCTTGCAAGCAGGACCTGCTGGCCTA[C>A]CTGCAACGCATCGCCCTCTACTGCCACCAGCTGAACATCTGCAGCAAGGTCAAGGCCGAG-3'